The following is an entry in ClinVar:

NM_001033855.3(DCLRE1C):c.470A>C (p.Lys157Thr)

Gene: DCLRE1C (DNA cross-link repair 1C; minus strand). Cytogenetic location: 10p13.
Variant type: single nucleotide variant.
Coding change: c.470A>C on transcript NM_001033855.3 (MANE Select); coding-DNA position 470, A replaced by C.
Protein change: p.Lys157Thr; replaces lysine 157 with threonine.
Molecular consequence: missense variant. On other transcripts: non-coding transcript variant (4).
Genome position (GRCh38, 1-based): chr10:14,934,770, T>G on the plus strand (A>C on the coding strand, the complement: DCLRE1C is on the minus strand). VCF-style: chr10-14934770-T-G. GRCh37 (hg19) VCF-style: chr10-14976769-T-G.
Other names: NM_001033855.3(DCLRE1C):c.470A>C; p.Lys157Thr; c.110A>C, p.Lys37Thr (NM_001033857.3, NM_001033858.3, NM_001289077.2 and 2 more transcripts); c.125A>C, p.Lys42Thr (NM_001289076.2, NM_001289078.2, NM_001350966.2 and 1 more transcripts); c.470A>C, p.Lys157Thr (NM_001350965.2); short protein forms K157T, K37T, K42T.
Identifiers: ClinVar variation 1013704 (VCV001013704.8), dbSNP rs1839624547, ClinGen allele CA376060000.

ClinVar aggregate classification (germline): Uncertain significance. Review status: reviewed by expert panel (3 of 4 stars). 2 submissions from 2 submitters: Uncertain significance (1). 1 of the submissions does not count toward it. Last evaluated 2024-06-13.

Conditions:
Severe combined immunodeficiency due to DCLRE1C deficiency (RS-SCID). Also called: SCID, AUTOSOMAL RECESSIVE, T CELL-NEGATIVE, B CELL-NEGATIVE, NK CELL-POSITIVE, WITH SENSITIVITY TO IONIZING RADIATION. Identifiers: Orphanet 275, MedGen C1865371, MONDO:0011225, OMIM 602450.

Submissions (2):

ClinGen Severe Combined Immunodeficiency Variant Curation Expert Panel, ClinGen
Classification: Uncertain significance for Severe combined immunodeficiency due to DCLRE1C deficiency. Last evaluated: 2024-06-13. Review status: reviewed by expert panel. Criteria: ClinGen SCID ACMG Specifications DCLRE1C V1.0.0. Collection method: curation. Allele origin: germline. Inheritance: Autosomal recessive inheritance.
Comment: The c.470A>C (NM_001033855.3) variant in DCLRE1C is a missense variant predicted to cause substitution of Lysine by Threonine at amino acid 157 (p.Lys157Thr). This variant is absent from gnomAD v4 (PM2_Supporting). To our knowledge, this variant has not been reported in the literature in individuals affected with SCID/DCLRE1C-related conditions or in functional studies. In summary, this variant meets the criteria to be classified as a variant of uncertain significance for autosomal recessive severe combined immunodeficiency due to DCLRE1C deficiency based on the ACMG/AMP criteria applied, as specified by the ClinGen SCID VCEP: PM2_Supporting (VCEP specifications version 1).

Labcorp Genetics (formerly Invitae), Labcorp
Classification: Uncertain significance for Athabaskan severe combined immunodeficiency. Last evaluated: 2020-04-23. Review status: criteria provided, single submitter. Criteria: Invitae Variant Classification Sherloc (09022015). Collection method: clinical testing. Allele origin: germline. Not counted in ClinVar's aggregate classification.
Comment: Algorithms developed to predict the effect of missense changes on protein structure and function are either unavailable or do not agree on the potential impact of this missense change (SIFT: "Tolerated"; PolyPhen-2: "Probably Damaging"; Align-GVGD: "Class C0"). In summary, the available evidence is currently insufficient to determine the role of this variant in disease. Therefore, it has been classified as a Variant of Uncertain Significance. This variant has not been reported in the literature in individuals with DCLRE1C-related conditions. This variant is not present in population databases (ExAC no frequency). This sequence change replaces lysine with threonine at codon 157 of the DCLRE1C protein (p.Lys157Thr). The lysine residue is highly conserved and there is a moderate physicochemical difference between lysine and threonine.